The following is an entry in ClinVar:

ClinVar aggregate classification (germline): Uncertain significance (1 of 4 stars; one submission).

Allele frequency attached by ClinVar (database versions not stated): gnomAD exomes below 0.00001.
gnomAD v4.1: 3 of 1,612,080 alleles (0.00019%); highest among the groups gnomAD compares: Non-Finnish European, 0.00017%; no homozygotes.

Submission:

Women's Health and Genetics/Laboratory Corporation of America, LabCorp
Classification: Uncertain significance. Last evaluated: 2026-02-16. Review status: criteria provided, single submitter. Criteria: LabCorp Variant Classification Summary - May 2015. Collection method: clinical testing. Allele origin: germline.
Comment: Variant summary: GALNS c.1096C>T (p.Leu366Phe) results in a non-conservative amino acid change in the encoded protein sequence. Algorithms developed to predict the effect of missense changes on protein structure and function are either unavailable or do not agree on the potential impact of this missense change. The variant allele was found at a frequency of 1.9e-06 in 1605292 control chromosomes (gnomAD). The available data on variant occurrences in the general population are insufficient to allow any conclusion about variant significance. To our knowledge, no occurrence of c.1096C>T in individuals affected with GALNS-related conditions and no experimental evidence demonstrating its impact on protein function have been reported. However, a different missense affecting the same amino acid, c.1097T>C (p.Leu366Pro), has been reported in affected individuals (HGMD), suggesting a functional importance for this residue. The following publications have been ascertained in the context of this evaluation (PMID: 22940367, 20574428). ClinVar contains an entry for this variant (Variation ID: 2501082). Based on the evidence outlined above, the variant was classified as uncertain significance.

Literature cited by the submitters: PubMed 22940367; PubMed 20574428.

NM_000512.5(GALNS):c.1096C>T (p.Leu366Phe)

Gene: GALNS (galactosamine (N-acetyl)-6-sulfatase; minus strand). Cytogenetic location: 16q24.3.
Variant type: single nucleotide variant.
Coding change: c.1096C>T on transcript NM_000512.5 (MANE Select); coding-DNA position 1096, C replaced by T.
Protein change: p.Leu366Phe; replaces leucine 366 with phenylalanine.
Molecular consequence: missense variant.
Genome position (GRCh38, 1-based): chr16:88,826,745, G>A on the plus strand (C>T on the coding strand, the complement: GALNS is on the minus strand). VCF-style: chr16-88826745-G-A. GRCh37 (hg19) VCF-style: chr16-88893153-G-A.
Other names: c.541C>T, p.Leu181Phe (NM_001323543.2); c.1114C>T, p.Leu372Phe (NM_001323544.2); short protein forms L181F, L366F, L372F.
Identifiers: ClinVar variation 2501082 (VCV002501082.3), dbSNP rs1910966758, ClinGen allele CA397098252.